The following is an entry in ClinVar:

ClinVar aggregate classification (germline): Uncertain significance (1 of 4 stars; one submission).

Submission:

Labcorp Genetics (formerly Invitae), Labcorp
Classification: Uncertain significance. Last evaluated: 2022-08-28. Review status: criteria provided, single submitter. Criteria: Invitae Variant Classification Sherloc (09022015). Collection method: clinical testing. Allele origin: germline.
Comment: In summary, the available evidence is currently insufficient to determine the role of this variant in disease. Therefore, it has been classified as a Variant of Uncertain Significance. This variant has not been reported in the literature in individuals affected with PROM1-related conditions. This variant results in a copy number gain of the genomic region encompassing exon(s) 26 of the PROM1 gene. This region includes the termination codon of the gene. This copy number gain extends beyond the assayed region for this gene and therefore may encompass additional genes. As the precise location of this event is unknown, it may be in tandem or it may be located elsewhere in the genome.

NC_000004.11:g.(?_15972690)_(15972725_?)dup

Gene: PROM1 (prominin 1; minus strand). Cytogenetic location: 4p15.32.
Variant type: Duplication.
Identifiers: ClinVar variation 2425462 (VCV002425462.4).